The following is an entry in ClinVar:

ClinVar aggregate classification (germline): Likely pathogenic. Review status: criteria provided, multiple submitters, no conflicts (2 of 4 stars). 2 submissions from 2 submitters: Likely pathogenic (2). Last evaluated 2024-04-10.

Conditions:
Retinitis pigmentosa 25 (RP25). Identifiers: Orphanet 791, MedGen C1864446, MONDO:0011272, OMIM 602772.

gnomAD v4.1: 4 of 1,544,594 alleles (0.00026%); highest among the groups gnomAD compares: Non-Finnish European, 0.00035%; no homozygotes.

Submissions (2):

Natera, Inc.
Classification: Likely pathogenic for Retinitis pigmentosa type 25. Last evaluated: 2024-04-10. Review status: criteria provided, single submitter. Criteria: Natera Variant Classification Schema (03/2026). Collection method: clinical testing. Allele origin: germline.
Comment: The c.2739-1G>A variant in EYS is a canonical splice acceptor site variant predicted to affect pre-mRNA splicing, which may result in an abnormal transcript and altered protein product. This variant may result in a truncated or dysfunctional protein product. This variant is rare in the general population with a frequency below the threshold expected for the associated phenotype(s). This variant has been observed in one or more individuals affected with the associated recessive disease, as either homozygous or compound heterozygous with a second variant (PMID: 34689181). Given the available evidence, this variant is classified as Likely Pathogenic.

Labcorp Genetics (formerly Invitae), Labcorp
Classification: Likely pathogenic. Last evaluated: 2023-06-03. Review status: criteria provided, single submitter. Criteria: Invitae Variant Classification Sherloc (09022015). Collection method: clinical testing. Allele origin: germline.
Comment: In summary, the currently available evidence indicates that the variant is pathogenic, but additional data are needed to prove that conclusively. Therefore, this variant has been classified as Likely Pathogenic. Algorithms developed to predict the effect of sequence changes on RNA splicing suggest that this variant may disrupt the consensus splice site. ClinVar contains an entry for this variant (Variation ID: 1066279). This variant has not been reported in the literature in individuals affected with EYS-related conditions. This variant is not present in population databases (gnomAD no frequency). This sequence change affects an acceptor splice site in intron 17 of the EYS gene. It is expected to disrupt RNA splicing. Variants that disrupt the donor or acceptor splice site typically lead to a loss of protein function (PMID: 16199547), and loss-of-function variants in EYS are known to be pathogenic (PMID: 18836446, 20333770).

Literature cited by the submitters: PubMed 34689181 (cited by Natera, Inc.); PubMed 16199547 (cited by Labcorp Genetics (formerly Invitae), Labcorp); PubMed 18836446 (cited by Labcorp Genetics (formerly Invitae), Labcorp); PubMed 20333770 (cited by Labcorp Genetics (formerly Invitae), Labcorp).

NM_001142800.2(EYS):c.2739-1G>A

Gene: EYS (EGF-like photoreceptor maintenance factor; minus strand). Cytogenetic location: 6q12.
Variant type: single nucleotide variant.
Coding change: c.2739-1G>A on transcript NM_001142800.2 (MANE Select); the canonical splice acceptor site of the intron before coding-DNA position 2739, G replaced by A.
Molecular consequence: splice acceptor variant.
Genome position (GRCh38, 1-based): chr6:64,902,221, C>T on the plus strand (G>A on the coding strand, the complement: EYS is on the minus strand). VCF-style: chr6-64902221-C-T. GRCh37 (hg19) VCF-style: chr6-65612114-C-T.
Other names: c.2739-1G>A (NM_001142800.1, NM_001292009.2).
Identifiers: ClinVar variation 1066279 (VCV001066279.9), dbSNP rs943468139, ClinGen allele CA364785797.